The following is an entry in ClinVar:

ClinVar aggregate classification (germline): Uncertain significance (1 of 4 stars; one submission).

Conditions:
ALMS1-related disorder. Also called: ALMS1-related condition.

Allele frequency attached by ClinVar (database versions not stated): gnomAD exomes below 0.00001.
gnomAD v4.1: 1 of 1,613,178 alleles (0.000062%); highest among the groups gnomAD compares: Non-Finnish European, 0.000085%; no homozygotes.

Submission:

PreventionGenetics, part of Exact Sciences
Classification: Uncertain significance for ALMS1-related condition. Last evaluated: 2023-11-08. Review status: criteria provided, single submitter. Criteria: ACMG Guidelines, 2015. Collection method: clinical testing. Allele origin: germline.
Comment: The ALMS1 c.3857C>T variant is predicted to result in the amino acid substitution p.Ser1286Leu. To our knowledge, this variant has not been reported in the literature. This variant is reported in 0.0041% of alleles in individuals of African descent in gnomAD. At this time, the clinical significance of this variant is uncertain due to the absence of conclusive functional and genetic evidence.

NM_001378454.1(ALMS1):c.3854C>T (p.Ser1285Phe)

Gene: ALMS1 (ALMS1 centrosome and basal body associated protein; plus strand). Cytogenetic location: 2p13.1.
Variant type: single nucleotide variant.
Coding change: c.3854C>T on transcript NM_001378454.1 (MANE Select); coding-DNA position 3854, C replaced by T.
Protein change: p.Ser1285Phe; replaces serine 1285 with phenylalanine.
Molecular consequence: missense variant.
Genome position (GRCh38, 1-based): chr2:73,450,381, C>T. VCF-style: chr2-73450381-C-T. GRCh37 (hg19) VCF-style: chr2-73677508-C-T.
Other names: c.3857C>T, p.Ser1286Phe (NM_015120.4); short protein forms S1285F, S1286F.
Identifiers: ClinVar variation 3058615 (VCV003058615.1), dbSNP rs1163469763, ClinGen allele CA347276931.